The following is an entry in ClinVar:

NM_152564.5(VPS13B):c.8621+4C>T

Gene: VPS13B (vacuolar protein sorting 13 homolog B; plus strand). Cytogenetic location: 8q22.2.
Variant type: single nucleotide variant.
Coding change: c.8621+4C>T on transcript NM_152564.5 (MANE Select); 4 bases into the intron after coding-DNA position 8621, C replaced by T.
Molecular consequence: intron variant.
Genome position (GRCh38, 1-based): chr8:99,818,892, C>T. VCF-style: chr8-99818892-C-T. GRCh37 (hg19) VCF-style: chr8-100831120-C-T.
Other names: c.8621+4C>T (NM_152564.4); c.8696+4C>T (NM_017890.5).
Identifiers: ClinVar variation 908622 (VCV000908622.5), dbSNP rs1563489649, ClinGen allele CA1139660693.

ClinVar aggregate classification (germline): Uncertain significance. Review status: criteria provided, single submitter (1 of 4 stars). 2 submissions from 2 submitters: Uncertain significance (1). 1 of the submissions does not count toward it. Last evaluated 2018-03-23.

Conditions:
Cohen syndrome (COH1). Also called: Cutis verticis gyrata, retinitis pigmentosa, and sensorineural deafness; PEPPER SYNDROME. Identifiers: Orphanet 193, MedGen C0265223, MONDO:0008999, OMIM 216550.
VPS13B-related disorder. Also called: VPS13B-related condition.

Submissions (2):

Illumina Laboratory Services, Illumina
Classification: Uncertain significance for Cohen syndrome. Last evaluated: 2018-03-23. Review status: criteria provided, single submitter. Criteria: ICSL Variant Classification Criteria 13 December 2019. Collection method: clinical testing. Allele origin: germline.

PreventionGenetics, part of Exact Sciences
Classification: Likely benign for VPS13B-related condition. Last evaluated: 2023-09-22. Review status: no assertion criteria provided. Collection method: clinical testing. Allele origin: germline. Not counted in ClinVar's aggregate classification.
Comment: This variant is classified as likely benign based on ACMG/AMP sequence variant interpretation guidelines (Richards et al. 2015 PMID: 25741868, with internal and published modifications).